The following is an entry in ClinVar:

ClinVar aggregate classification (germline): Uncertain significance (1 of 4 stars; one submission).

Allele frequency attached by ClinVar (database versions not stated): gnomAD exomes below 0.00001; TOPMed below 0.00001; ExAC 0.00001.
gnomAD v4.1: 2 of 1,614,088 alleles (0.00012%); highest among the groups gnomAD compares: African/African-American, 0.0027%; no homozygotes.

Submission:

Ambry Genetics
Classification: Uncertain significance. Last evaluated: 2022-05-02. Review status: criteria provided, single submitter. Criteria: Ambry Variant Classification Scheme 2023. Collection method: clinical testing. Allele origin: germline.
Comment: The p.V216I variant (also known as c.646G>A), located in coding exon 4 of the MNDA gene, results from a G to A substitution at nucleotide position 646. The valine at codon 216 is replaced by isoleucine, an amino acid with highly similar properties. This amino acid position is conserved. In addition, this alteration is predicted to be tolerated by in silico analysis. Since supporting evidence is limited at this time, the clinical significance of this alteration remains unclear.

NM_002432.3(MNDA):c.646G>A (p.Val216Ile)

Gene: MNDA (myeloid cell nuclear differentiation antigen; plus strand). Cytogenetic location: 1q23.1.
Variant type: single nucleotide variant.
Coding change: c.646G>A on transcript NM_002432.3 (MANE Select); coding-DNA position 646, G replaced by A.
Protein change: p.Val216Ile; replaces valine 216 with isoleucine.
Molecular consequence: missense variant.
Genome position (GRCh38, 1-based): chr1:158,845,662, G>A. VCF-style: chr1-158845662-G-A. GRCh37 (hg19) VCF-style: chr1-158815452-G-A.
Other names: short protein forms V216I.
Identifiers: ClinVar variation 1753701 (VCV001753701.2), dbSNP rs766581596, ClinGen allele CA1185682.